The following is an entry in ClinVar:

ClinVar aggregate classification (germline): Pathogenic. Review status: criteria provided, multiple submitters, no conflicts (2 of 4 stars). 2 submissions from 2 submitters: Pathogenic (2). Last evaluated 2025-12-11.

Conditions:
Bietti crystalline corneoretinal dystrophy (BCD). Also called: Bietti Crystalline Dystrophy; BIETTI TAPETORETINAL DEGENERATION WITH MARGINAL CORNEAL DYSTROPHY. Identifiers: Orphanet 41751, MedGen C1859486, MONDO:0008865, OMIM 210370.

Allele frequency attached by ClinVar (database versions not stated): TOPMed 0.00014.

Submissions (3):

Medical and Scientific Branch, Hong Kong Genome Institute
Classification: Pathogenic for Bietti crystalline corneoretinal dystrophy. Last evaluated: 2025-12-11. Review status: criteria provided, single submitter. Criteria: ACMG Guidelines, 2015. Collection method: clinical testing. Allele origin: germline. Affected: yes.

Labcorp Genetics (formerly Invitae), Labcorp
Classification: Pathogenic. Last evaluated: 2021-11-04. Review status: criteria provided, single submitter. Criteria: Invitae Variant Classification Sherloc (09022015). Collection method: clinical testing. Allele origin: germline.
Comment: This variant results in the deletion of part of exon 7 (c.802-8_810delinsGC) of the CYP4V2 gene. RNA analysis indicates that this variant induces altered splicing and likely results in a shortened protein product. This variant is not present in population databases (gnomAD no frequency). This variant has been observed in individuals with Bietti crystalline corneoretinal dystrophy (PMID: 15042513, 16186368, 28051075, 30429639). It is commonly reported in individuals of East Asian ancestry (PMID: 15042513, 16186368, 28051075, 30429639). This variant is also known as c.802‚Äì 8_810delinsGC; IVS6-8delTCATACAGGTCATC; IVS6-Ex7del. ClinVar contains an entry for this variant (Variation ID: 854856). Studies have shown that this variant results in skipping of exon 7 , but is expected to preserve the integrity of the reading-frame (PMID: 15042513). For these reasons, this variant has been classified as Pathogenic.

Dr. Peter K. Rogan Lab, Western University
No classification provided (evidence only). Condition: Familial pancreatic carcinoma. Review status: no classification provided. Collection method: in vitro. Allele origin: not applicable. Functional consequence: skipped exon. Not counted in ClinVar's aggregate classification.

Literature cited by the submitters: PubMed 15042513 (cited by Labcorp Genetics (formerly Invitae), Labcorp); PubMed 16186368 (cited by Labcorp Genetics (formerly Invitae), Labcorp); PubMed 28051075 (cited by Labcorp Genetics (formerly Invitae), Labcorp); PubMed 30429639 (cited by Labcorp Genetics (formerly Invitae), Labcorp).

NM_207352.4(CYP4V2):c.802-6_810del

Gene: CYP4V2 (cytochrome P450 family 4 subfamily V member 2; plus strand). Cytogenetic location: 4q35.2.
Variant type: Deletion.
Coding change: c.802-6_810del on transcript NM_207352.4 (MANE Select); 6 bases into the intron before coding-DNA position 802 through coding-DNA position 810, 15 bases deleted (ATACAGGTCATCGCT).
Molecular consequence: splice acceptor variant.
Genome position (GRCh38, 1-based): chr4:186,201,151-186,201,165, ATACAGGTCATCGCT deleted. VCF-style (leftmost placement, unchanged base first): chr4-186201150-CATACAGGTCATCGCT-C. GRCh37 (hg19) VCF-style: chr4-187122304-CATACAGGTCATCGCT-C.
Identifiers: ClinVar variation 854856 (VCV000854856.5), dbSNP rs1300138505, ClinGen allele CA792321960.
Genomic context (GRCh38, chr4:186,201,150, plus strand): 5'-AAAATGTGTTAACTAGGGTGCATCCAAGTCCAAACAGAAGCATGTGATTATCATTCAAAT[CATACAGGTCATCGCT>C]GAACGGGCCAATGAAATGAACGCCAATGAAGACTGTAGAGGTGATGGCAGGGGCTCTGCC-3'